The following is an entry in ClinVar:

ClinVar aggregate classification (germline): Uncertain significance (1 of 4 stars; one submission).

Submission:

GeneDx
Classification: Uncertain significance. Last evaluated: 2023-12-07. Review status: criteria provided, single submitter. Criteria: GeneDx Variant Classification Process June 2021. Collection method: clinical testing. Allele origin: germline. Affected: yes.
Comment: Not observed at significant frequency in large population cohorts (gnomAD); In silico analysis supports that this missense variant does not alter protein structure/function; Has not been previously published as pathogenic or benign to our knowledge

NM_015100.4(POGZ):c.3163A>G (p.Thr1055Ala)

Gene: POGZ (pogo transposable element derived with ZNF domain; minus strand). Cytogenetic location: 1q21.3.
Variant type: single nucleotide variant.
Coding change: c.3163A>G on transcript NM_015100.4 (MANE Select); coding-DNA position 3163, A replaced by G.
Protein change: p.Thr1055Ala; replaces threonine 1055 with alanine.
Molecular consequence: missense variant.
Genome position (GRCh38, 1-based): chr1:151,405,872, T>C on the plus strand (A>G on the coding strand, the complement: POGZ is on the minus strand). VCF-style: chr1-151405872-T-C. GRCh37 (hg19) VCF-style: chr1-151378348-T-C.
Other names: c.3136A>G, p.Thr1046Ala (NM_001194937.2); c.2977A>G, p.Thr993Ala (NM_001194938.2); c.3184A>G, p.Thr1062Ala (NM_001410860.1); c.2878A>G, p.Thr960Ala (NM_145796.4); c.3004A>G, p.Thr1002Ala (NM_207171.2); short protein forms T1002A, T1046A, T1055A, T1062A, T960A, T993A.
Identifiers: ClinVar variation 3365272 (VCV003365272.1).